The following is an entry in ClinVar:

ClinVar aggregate classification (germline): Uncertain significance. Review status: criteria provided, multiple submitters, no conflicts (2 of 4 stars). 2 submissions from 2 submitters: Uncertain significance (2). Last evaluated 2024-11-28.

Conditions:
Dilated cardiomyopathy 1O (CMD1O). Also called: CARDIOMYOPATHY, DILATED, WITH VENTRICULAR TACHYCARDIA. Identifiers: Orphanet 154, MedGen C1837839, MONDO:0012062, OMIM 608569.

Submissions (2):

Labcorp Genetics (formerly Invitae), Labcorp
Classification: Uncertain significance for Dilated cardiomyopathy 1O. Last evaluated: 2024-11-28. Review status: criteria provided, single submitter. Criteria: Invitae Variant Classification Sherloc (09022015). Collection method: clinical testing. Allele origin: germline.
Comment: This sequence change replaces arginine, which is basic and polar, with leucine, which is neutral and non-polar, at codon 620 of the ABCC9 protein (p.Arg620Leu). This variant is not present in population databases (gnomAD no frequency). This variant has not been reported in the literature in individuals affected with ABCC9-related conditions. ClinVar contains an entry for this variant (Variation ID: 2197348). Invitae Evidence Modeling of protein sequence and biophysical properties (such as structural, functional, and spatial information, amino acid conservation, physicochemical variation, residue mobility, and thermodynamic stability) indicates that this missense variant is not expected to disrupt ABCC9 protein function with a negative predictive value of 80%. In summary, the available evidence is currently insufficient to determine the role of this variant in disease. Therefore, it has been classified as a Variant of Uncertain Significance.

Women's Health and Genetics/Laboratory Corporation of America, LabCorp
Classification: Uncertain significance. Last evaluated: 2024-10-20. Review status: criteria provided, single submitter. Criteria: LabCorp Variant Classification Summary - May 2015. Collection method: clinical testing. Allele origin: germline.

NM_020297.4(ABCC9):c.1859G>T (p.Arg620Leu)

Gene: ABCC9 (ATP binding cassette subfamily C member 9; minus strand). Cytogenetic location: 12p12.1.
Variant type: single nucleotide variant.
Coding change: c.1859G>T on transcript NM_020297.4 (MANE Select); coding-DNA position 1859, G replaced by T.
Protein change: p.Arg620Leu; replaces arginine 620 with leucine.
Molecular consequence: missense variant.
Genome position (GRCh38, 1-based): chr12:21,887,878, C>A on the plus strand (G>T on the coding strand, the complement: ABCC9 is on the minus strand). VCF-style: chr12-21887878-C-A. GRCh37 (hg19) VCF-style: chr12-22040812-C-A.
Other names: c.1859G>T, p.Arg620Leu (NM_001377273.1, NM_005691.4); c.995G>T, p.Arg332Leu (NM_001377274.1); short protein forms R332L, R620L.
Identifiers: ClinVar variation 2197348 (VCV002197348.5), dbSNP rs139539832, ClinGen allele CA384135863.